The following is an entry in ClinVar:

ClinVar aggregate classification (germline): Pathogenic/Likely pathogenic. Review status: criteria provided, multiple submitters, no conflicts (2 of 4 stars). 5 submissions from 5 submitters: Pathogenic (3); Likely pathogenic (1). 1 of the submissions does not count toward it. Last evaluated 2024-02-23.

Conditions:
Xeroderma pigmentosum (XP). Identifiers: Orphanet 910, MedGen C0043346, MONDO:0019600.
Xeroderma pigmentosum variant type. Also called: PHOTOSENSITIVITY WITH DEFECTIVE DNA SYNTHESIS; XERODERMA PIGMENTOSUM WITH NORMAL DNA REPAIR RATES; POLH-Related Xeroderma Pigmentosum. Identifiers: Orphanet 90342, MedGen C1848410, MONDO:0010214, OMIM 278750.

Allele frequency attached by ClinVar (database versions not stated): TOPMed below 0.00001; gnomAD 0.00001; ExAC 0.00002; gnomAD exomes 0.00002 and 0.00003.
gnomAD v4.1: 19 of 1,606,424 alleles (0.0012%); highest among the groups gnomAD compares: East Asian, 0.04%; no homozygotes.

Submissions (6):

Fulgent Genetics
Classification: Pathogenic for Xeroderma pigmentosum variant type. Last evaluated: 2024-02-23. Review status: criteria provided, single submitter. Criteria: ACMG Guidelines, 2015. Collection method: clinical testing. Allele origin: germline.

Labcorp Genetics (formerly Invitae), Labcorp
Classification: Pathogenic. Last evaluated: 2023-07-16. Review status: criteria provided, single submitter. Criteria: Invitae Variant Classification Sherloc (09022015). Collection method: clinical testing. Allele origin: germline.
Comment: For these reasons, this variant has been classified as Pathogenic. Algorithms developed to predict the effect of sequence changes on RNA splicing suggest that this variant may disrupt the consensus splice site. ClinVar contains an entry for this variant (Variation ID: 225444). This premature translational stop signal has been observed in individual(s) with xeroderma pigmentosum (PMID: 17344931). This variant is present in population databases (rs767433001, gnomAD 0.03%). This sequence change creates a premature translational stop signal (p.Glu164*) in the POLH gene. It is expected to result in an absent or disrupted protein product. Loss-of-function variants in POLH are known to be pathogenic (PMID: 11773631, 24130121, 25256075).

Laboratory for Molecular Medicine, Mass General Brigham Personalized Medicine
Classification: Pathogenic for Xeroderma pigmentosum. Last evaluated: 2019-06-16. Review status: criteria provided, single submitter. Criteria: LMM Criteria. Collection method: clinical testing. Allele origin: germline. Inheritance: Autosomal recessive inheritance. Observed: 1 variant allele.
Comment: The p.Glu164X variant in POLH has been reported in 9 homozygotes and 2 compound heterozygous individuals with Xeroderma pigmentosum variant type (XP-V) (Tanioka 2007, Inui 2008, Masaki 2008). It has also been identified in 0.03% (5/18392) of East Asian chromosomes by gnomAD and has been reported in ClinVar (Variation ID: 225444). Although this is a nonsense variant, it is located in the last three bases of the exon, which is part of the 5â€™ splice region. Computational tools and in vitro splicing studies are consistent with pathogenicity (Tanioka 2007, Inui 2008). In summary, this variant meets criteria to be classified as pathogenic for autosomal recessive XP-V. ACMG/AMP Criteria applied: PVS1_Strong, PM3_Strong, PS3_Supporting.

Soonchunhyang University Bucheon Hospital, Soonchunhyang University Medical Center
Classification: Likely pathogenic for Xeroderma pigmentosum variant type. Last evaluated: 2016-03-18. Review status: criteria provided, single submitter. Criteria: ACMG Guidelines, 2015. Collection method: reference population. Allele origin: germline. Observed: 2 variant alleles.

Dr. Peter K. Rogan Lab, Western University
No classification provided (evidence only). Condition: Hepatocellular carcinoma. Review status: no classification provided. Collection method: in vitro. Allele origin: not applicable. Functional consequence: retained intron. Not counted in ClinVar's aggregate classification.

GeneReviews
No classification provided. Condition: Xeroderma pigmentosum variant type. Review status: no classification provided. Collection method: literature only. Allele origin: germline. Affected: yes. Not counted in ClinVar's aggregate classification.
Comment: Results in abnormal splicing (PMID:18703314).

Literature cited by the submitters: PubMed 17344931 (cited by 3 submitters); PubMed 11773631 (cited by Labcorp Genetics (formerly Invitae), Labcorp); PubMed 24130121 (cited by Labcorp Genetics (formerly Invitae), Labcorp); PubMed 25256075 (cited by Labcorp Genetics (formerly Invitae), Labcorp); PubMed 18703314 (cited by Laboratory for Molecular Medicine, Mass General Brigham Personalized Medicine and GeneReviews); PubMed 18368133 (cited by Laboratory for Molecular Medicine, Mass General Brigham Personalized Medicine); NCBI Bookshelf NBK1397 (cited by GeneReviews).

NM_006502.3(POLH):c.490G>T (p.Glu164Ter)

Gene: POLH (DNA polymerase eta; plus strand). Cytogenetic location: 6p21.1.
Variant type: single nucleotide variant.
Coding change: c.490G>T on transcript NM_006502.3 (MANE Select); coding-DNA position 490, G replaced by T.
Protein change: p.Glu164Ter; replaces glutamic acid 164 with a stop codon.
Molecular consequence: nonsense. On other transcripts: intron variant (1).
Genome position (GRCh38, 1-based): chr6:43,587,489, G>T. VCF-style: chr6-43587489-G-T. GRCh37 (hg19) VCF-style: chr6-43555226-G-T.
Other names: c.490G>T, p.Glu164Ter (NM_001291970.2); c.118+4348G>T (NM_001291969.2); short protein forms E164*.
Identifiers: ClinVar variation 225444 (VCV000225444.12), dbSNP rs767433001, ClinGen allele CA3826982.